The following is an entry in ClinVar:

ClinVar aggregate classification (germline): Pathogenic/Likely pathogenic. Review status: criteria provided, multiple submitters, no conflicts (2 of 4 stars). 17 submissions from 17 submitters: Pathogenic (8); Likely pathogenic (3). 6 of the submissions do not count toward it. Last evaluated 2026-10-01.

Conditions:
COQ8B-related disorder. Also called: COQ8B-related condition.
ADCK4 & COQ8B-related disorders.
Inborn genetic diseases. Identifiers: MedGen C0950123, MeSH D030342.
Nephrotic syndrome, type 9 (NPHS9). Identifiers: Orphanet 656, MedGen C3809965, MONDO:0014257, OMIM 615573.

Allele frequency attached by ClinVar (database versions not stated): gnomAD exomes 0.00001 and 0.00002; gnomAD 0.00003 and 0.00004; ExAC 0.00001; TOPMed 0.00003.
gnomAD v4.1: 23 of 1,612,686 alleles (0.0014%); highest among the groups gnomAD compares: Middle Eastern, 0.049%; no homozygotes.

Submissions (17):

GeneDx
Classification: Likely pathogenic. Last evaluated: 2026-10-01. Review status: criteria provided, single submitter. Criteria: GeneDx Variant Classification Process June 2021. Collection method: clinical testing. Allele origin: germline.
Comment: In silico analysis supports that this missense variant has a deleterious effect on protein structure/function; This variant is associated with the following publications: (PMID: 31130284, 29194833, 29382012, 28454995, 36177613, 32859164, 31328266, 34605136, 35483523, 36176665, 35755072, 37217505, 33677064, 36532926, AlsanieW2022[Article], WangY2024[Review], 35683636, 36898413, 36843884, 36034551, 28204945, 35046417, 34638552, 33413146, 32543055, 24270420, 32604935, 31937884, 38256023, 39435356, 39363361, 41141495, 42435122, Aljishi2026[preprint])

PreventionGenetics, part of Exact Sciences
Classification: Pathogenic for COQ8B-related condition. Last evaluated: 2025-11-26. Review status: criteria provided, single submitter. Criteria: ACMG Guidelines, 2015. Collection method: clinical testing. Allele origin: germline.
Comment: The COQ8B c.532C>T variant is predicted to result in the amino acid substitution p.Arg178Trp. This variant, also described as ADCK4 c.532C>T, has been reported in the homozygous state or with a second variant in the gene in individuals with steroid resistant nephrotic syndrome (see for example: Ashraf et al. 2013. PubMed ID: 24270420; Table S2. Alfares et al. 2017. PubMed ID: 28454995; Vazquez Fonseca et al. 2017. PubMed ID: 29194833; Wang et al. 2017. PubMed ID: 28204945; Table S1, Monies et al. 2019. PubMed ID: 31130284; Maeoka et al. 2020. PubMed ID: 32859164; Nagano et al. 2020. PubMed ID: 31937884; Supplementary Table S2, Park et al. 2020. PubMed ID: 32604935; Table S1, Song et al. 2020. PubMed ID: 32543055; Al-Hamed et al. 2022. PubMed ID: 36177613;). A functional study showed that this variant alters protein function (Vazquez Fonseca et al. 2017. PubMed ID: 29194833). This variant is reported in 0.020% of alleles in individuals of East Asian descent in gnomAD. This variant is interpreted as pathogenic.

3billion
Classification: Likely pathogenic for Nephrotic syndrome, type 9. Last evaluated: 2025-04-14. Review status: criteria provided, single submitter. Criteria: ACMG Guidelines, 2015. Collection method: clinical testing. Allele origin: germline. Affected: yes.

Labcorp Genetics (formerly Invitae), Labcorp
Classification: Pathogenic. Last evaluated: 2024-11-05. Review status: criteria provided, single submitter. Criteria: Invitae Variant Classification Sherloc (09022015). Collection method: clinical testing. Allele origin: germline.
Comment: This sequence change replaces arginine, which is basic and polar, with tryptophan, which is neutral and slightly polar, at codon 178 of the COQ8B protein (p.Arg178Trp). The frequency data for this variant in the population databases is considered unreliable, as metrics indicate poor data quality at this position in the gnomAD database. This missense change has been observed in individuals with COQ8B-related conditions (PMID: 24270420, 28204945, 28454995, 29382012, 31130284, 31937884, 32543055, 32604935, 32859164, 34605136). It has also been observed to segregate with disease in related individuals. ClinVar contains an entry for this variant (Variation ID: 91845). Invitae Evidence Modeling of protein sequence and biophysical properties (such as structural, functional, and spatial information, amino acid conservation, physicochemical variation, residue mobility, and thermodynamic stability) indicates that this missense variant is expected to disrupt COQ8B protein function with a positive predictive value of 80%. Experimental studies have shown that this missense change affects COQ8B function (PMID: 29194833). For these reasons, this variant has been classified as Pathogenic.

Genomic Medicine Center of Excellence, King Faisal Specialist Hospital and Research Centre
Classification: Pathogenic for Nephrotic syndrome, type 9. Last evaluated: 2024-03-17. Review status: criteria provided, single submitter. Criteria: ACMG Guidelines, 2015. Collection method: research. Allele origin: germline.

Precision Medicine Center, Zhengzhou University
Classification: Pathogenic for Nephrotic syndrome, type 9. Last evaluated: 2023-12-01. Review status: criteria provided, single submitter. Criteria: ACMG Guidelines, 2015. Collection method: clinical testing. Allele origin: paternal. Affected: yes.
Comment: PM2_p,PM3_strong,PP3

Ambry Genetics
Classification: Likely pathogenic for Inborn genetic diseases. Last evaluated: 2023-11-03. Review status: criteria provided, single submitter. Criteria: Ambry Variant Classification Scheme 2023. Collection method: clinical testing. Allele origin: germline.
Comment: The c.532C>T (p.R178W) alteration is located in exon 7 (coding exon 6) of the COQ8B gene. This alteration results from a C to T substitution at nucleotide position 532, causing the arginine (R) at amino acid position 178 to be replaced by a tryptophan (W). Based on data from gnomAD, the T allele has an overall frequency of 0.003% (7/279154) total alleles studied. The highest observed frequency was 0.02% (4/19808) of East Asian alleles. This alteration was detected in the homozygous state in multiple individuals with COQ8B-related primary coenzyme Q10 deficiency (Al-Hamed, 2022; Alvi, 2022; Maeoka, 2020; Ashraf, 2013). This amino acid position is highly conserved in available vertebrate species. This alteration is predicted to be deleterious by in silico analysis. Based on the available evidence, this alteration is classified as likely pathogenic.

Baylor Genetics
Classification: Pathogenic for Nephrotic syndrome, type 9. Last evaluated: 2023-02-01. Review status: criteria provided, single submitter. Criteria: ACMG Guidelines, 2015. Collection method: clinical testing. Allele origin: unknown.

Blueprint Genetics
Classification: Pathogenic for ADCK4 & COQ8B-related disorders. Last evaluated: 2022-06-14. Review status: criteria provided, single submitter. Criteria: ACMG Guidelines, 2015. Collection method: clinical testing. Allele origin: germline. Affected: yes. Observed: 4 variant alleles.

Revvity Omics, Revvity
Classification: Pathogenic for Nephrotic syndrome, type 9. Last evaluated: 2021-05-12. Review status: criteria provided, single submitter. Criteria: ACMG Guidelines, 2015. Collection method: clinical testing. Allele origin: germline.

Juno Genomics, Hangzhou Juno Genomics, Inc
Classification: Pathogenic for Nephrotic syndrome, type 9. Review status: criteria provided, single submitter. Criteria: ACMG Guidelines, 2015. Collection method: clinical testing. Allele origin: germline.
Comment: Absent from controls (or at extremely low frequency if recessive) in Genome Aggregation Database.;Well-established in vitro or in vivo functional studies supportive of a damaging effect on the gene or gene product.;For recessive disorders, detected in trans with a pathogenic variant.;Patient's phenotype or family history is highly specific for a disease with a single genetic etiology.

Biochemical Molecular Genetic Laboratory, King Abdulaziz Medical City
Classification: Likely pathogenic for Nephrotic syndrome, type 9. Last evaluated: 2019-09-26. Review status: no assertion criteria provided. Collection method: clinical testing. Allele origin: germline. Affected: yes. Not counted in ClinVar's aggregate classification.

Bioscientia Institut fuer Medizinische Diagnostik GmbH, Sonic Healthcare
Classification: Pathogenic for Nephrotic syndrome, type 9. Last evaluated: 2018-03-13. Review status: no assertion criteria provided. Collection method: clinical testing. Allele origin: germline. Affected: yes. Not counted in ClinVar's aggregate classification.

OMIM
Classification: Pathogenic for NEPHROTIC SYNDROME, TYPE 9. Last evaluated: 2013-12-02. Review status: no assertion criteria provided. Collection method: literature only. Allele origin: germline. Not counted in ClinVar's aggregate classification.

GeneReviews
No classification provided. Condition: Nephrotic syndrome, type 9. Review status: no classification provided. Collection method: literature only. Allele origin: germline. Not counted in ClinVar's aggregate classification.

Genome Diagnostics Laboratory, University Medical Center Utrecht
Classification: Pathogenic. Review status: no assertion criteria provided. Collection method: clinical testing. Allele origin: germline. Affected: yes. Study: VKGL Data-share Consensus. Not counted in ClinVar's aggregate classification.

Joint Genome Diagnostic Labs from Nijmegen and Maastricht, Radboudumc and MUMC+
Classification: Likely pathogenic. Review status: no assertion criteria provided. Collection method: clinical testing. Allele origin: germline. Affected: yes. Study: VKGL Data-share Consensus. Not counted in ClinVar's aggregate classification.

Literature cited by the submitters: PubMed 24270420 (cited by 6 submitters); PubMed 28204945 (cited by Labcorp Genetics (formerly Invitae), Labcorp); PubMed 28454995 (cited by Labcorp Genetics (formerly Invitae), Labcorp); PubMed 29382012 (cited by Labcorp Genetics (formerly Invitae), Labcorp); PubMed 31130284 (cited by Labcorp Genetics (formerly Invitae), Labcorp); PubMed 31937884 (cited by Labcorp Genetics (formerly Invitae), Labcorp); PubMed 32543055 (cited by Labcorp Genetics (formerly Invitae), Labcorp); PubMed 32604935 (cited by Labcorp Genetics (formerly Invitae), Labcorp); PubMed 32859164 (cited by Labcorp Genetics (formerly Invitae), Labcorp and Ambry Genetics); PubMed 34605136 (cited by Labcorp Genetics (formerly Invitae), Labcorp); PubMed 29194833 (cited by Labcorp Genetics (formerly Invitae), Labcorp); PubMed 36177613 (cited by Ambry Genetics); PubMed 36532926 (cited by Ambry Genetics); NCBI Bookshelf NBK410087 (cited by GeneReviews).

NM_024876.4(COQ8B):c.532C>T (p.Arg178Trp)

Gene: COQ8B (coenzyme Q8B; minus strand). Cytogenetic location: 19q13.2.
Variant type: single nucleotide variant.
Coding change: c.532C>T on transcript NM_024876.4 (MANE Select); coding-DNA position 532, C replaced by T.
Protein change: p.Arg178Trp; replaces arginine 178 with tryptophan.
Molecular consequence: missense variant.
Genome position (GRCh38, 1-based): chr19:40,705,140, G>A on the plus strand (C>T on the coding strand, the complement: COQ8B is on the minus strand). VCF-style: chr19-40705140-G-A. GRCh37 (hg19) VCF-style: chr19-41211045-G-A.
Other names: c.409C>T, p.Arg137Trp (NM_001142555.3); short protein forms R178W, R137W.
Identifiers: ClinVar variation 91845 (VCV000091845.31), dbSNP rs398122978, ClinGen allele CA145471.